The following is an entry in ClinVar:

NM_032043.3(BRIP1):c.1628+6T>C

Gene: BRIP1 (BRCA1 interacting DNA helicase 1; minus strand). Cytogenetic location: 17q23.2.
Variant type: single nucleotide variant.
Coding change: c.1628+6T>C on transcript NM_032043.3 (MANE Select); 6 bases into the intron after coding-DNA position 1628, T replaced by C.
Molecular consequence: intron variant.
Genome position (GRCh38, 1-based): chr17:61,784,264, A>G on the plus strand (T>C on the coding strand, the complement: BRIP1 is on the minus strand). VCF-style: chr17-61784264-A-G. GRCh37 (hg19) VCF-style: chr17-59861625-A-G.
Identifiers: ClinVar variation 583362 (VCV000583362.12), dbSNP rs1567816699, ClinGen allele CA891843522.

ClinVar aggregate classification (germline): Uncertain significance (1 of 4 stars; one submission).

Conditions:
Familial cancer of breast. Also called: hereditary breast carcinoma; BREAST CANCER, FAMILIAL; Hereditary breast cancer. Identifiers: Orphanet 227535, MedGen C0346153, MONDO:0016419, OMIM 114480. Disease mechanism: loss of function.
Fanconi anemia complementation group J. Also called: BRIP1-Related Fanconi Anemia. Identifiers: Orphanet 84, MedGen C1836860, MONDO:0012187, OMIM 609054.

Allele frequency attached by ClinVar (database versions not stated): gnomAD exomes 0.00001.
gnomAD v4.1: 5 of 1,610,898 alleles (0.00031%); highest among the groups gnomAD compares: Non-Finnish European, 0.00042%; no homozygotes.

Submission:

Labcorp Genetics (formerly Invitae), Labcorp
Classification: Uncertain significance for Familial cancer of breast; Fanconi anemia complementation group J. Last evaluated: 2024-10-30. Review status: criteria provided, single submitter. Criteria: Invitae Variant Classification Sherloc (09022015). Collection method: clinical testing. Allele origin: germline.
Comment: This sequence change falls in intron 11 of the BRIP1 gene. It does not directly change the encoded amino acid sequence of the BRIP1 protein. It affects a nucleotide within the consensus splice site. This variant is not present in population databases (gnomAD no frequency). This variant has not been reported in the literature in individuals affected with BRIP1-related conditions. ClinVar contains an entry for this variant (Variation ID: 583362). Variants that disrupt the consensus splice site are a relatively common cause of aberrant splicing (PMID: 17576681, 9536098). Algorithms developed to predict the effect of sequence changes on RNA splicing suggest that this variant is not likely to affect RNA splicing. In summary, the available evidence is currently insufficient to determine the role of this variant in disease. Therefore, it has been classified as a Variant of Uncertain Significance.

Literature cited by the submitters: PubMed 17576681; PubMed 9536098.